The following is an entry in ClinVar:

NM_004984.4(KIF5A):c.1591T>G (p.Ser531Ala)

Gene: KIF5A (kinesin family member 5A; plus strand). Cytogenetic location: 12q13.3.
Variant type: single nucleotide variant.
Coding change: c.1591T>G on transcript NM_004984.4 (MANE Select); coding-DNA position 1591, T replaced by G.
Protein change: p.Ser531Ala; replaces serine 531 with alanine.
Molecular consequence: missense variant.
Genome position (GRCh38, 1-based): chr12:57,572,601, T>G. VCF-style: chr12-57572601-T-G. GRCh37 (hg19) VCF-style: chr12-57966384-T-G.
Other names: c.1324T>G, p.Ser442Ala (NM_001354705.2); short protein forms S442A, S531A.
Identifiers: ClinVar variation 3637610 (VCV003637610.2).
Genomic context (GRCh38, chr12:57,572,601, plus strand): 5'-GAGGATGGCAACAGGAATGACCTGAGGGGCTGTCCCCAGGCCACCATGCTGTCCCTGGAG[T>G]CTGAGTTGCAGCGGCTACAGGAGGTCAGTGGACACCAGCGAAAACGAATTGCTGAGGTGC-3'
Protein context (NP_004975.2, residues 521-541): QKVATMLSLE[Ser531Ala]ELQRLQEVSG

ClinVar aggregate classification (germline): Uncertain significance (1 of 4 stars; one submission).

Conditions:
Spastic paraplegia. Identifiers: MedGen C0037772, HP:0001258.

Submission:

Labcorp Genetics (formerly Invitae), Labcorp
Classification: Uncertain significance for Spastic paraplegia. Last evaluated: 2024-02-19. Review status: criteria provided, single submitter. Criteria: Invitae Variant Classification Sherloc (09022015). Collection method: clinical testing. Allele origin: germline.
Comment: This sequence change replaces serine, which is neutral and polar, with alanine, which is neutral and non-polar, at codon 531 of the KIF5A protein (p.Ser531Ala). This variant is not present in population databases (gnomAD no frequency). This variant has not been reported in the literature in individuals affected with KIF5A-related conditions. Advanced modeling of protein sequence and biophysical properties (such as structural, functional, and spatial information, amino acid conservation, physicochemical variation, residue mobility, and thermodynamic stability) performed at Invitae indicates that this missense variant is not expected to disrupt KIF5A protein function with a negative predictive value of 95%. In summary, the available evidence is currently insufficient to determine the role of this variant in disease. Therefore, it has been classified as a Variant of Uncertain Significance.